The following is an entry in ClinVar:

NM_001129.5(AEBP1):c.2999G>A (p.Arg1000Gln)

Gene: AEBP1 (AE binding protein 1; plus strand). Cytogenetic location: 7p13.
Variant type: single nucleotide variant.
Coding change: c.2999G>A on transcript NM_001129.5 (MANE Select); coding-DNA position 2999, G replaced by A.
Protein change: p.Arg1000Gln; replaces arginine 1000 with glutamine.
Molecular consequence: missense variant.
Genome position (GRCh38, 1-based): chr7:44,113,783, G>A. VCF-style: chr7-44113783-G-A. GRCh37 (hg19) VCF-style: chr7-44153382-G-A.
Other names: p.Arg1000Gln; short protein forms R1000Q.
Identifiers: ClinVar variation 4541284 (VCV004541284.1).

ClinVar aggregate classification (germline): Uncertain significance (1 of 4 stars; one submission).

gnomAD v4.1: 1 of 1,614,054 alleles (0.000062%); highest among the groups gnomAD compares: Admixed American, 0.0017%; no homozygotes.

Submission:

Mayo Clinic Laboratories, Mayo Clinic
Classification: Uncertain significance. Last evaluated: 2025-07-15. Review status: criteria provided, single submitter. Criteria: ACMG Guidelines, 2015. Collection method: clinical testing. Allele origin: germline. Observed: 1 variant allele.
Comment: PM2_supporting